The following is an entry in ClinVar:

NM_001430.5(EPAS1):c.624C>G (p.His208Gln)

Genes: EPAS1 (endothelial PAS domain protein 1; plus strand), LOC126806210 (BRD4-independent group 4 enhancer GRCh37_chr2:46587586-46588785; plus strand). Cytogenetic location: 2p21.
Variant type: single nucleotide variant.
Coding change: c.624C>G on transcript NM_001430.5 (MANE Select); coding-DNA position 624, C replaced by G.
Protein change: p.His208Gln; replaces histidine 208 with glutamine.
Molecular consequence: missense variant.
Genome position (GRCh38, 1-based): chr2:46,360,935, C>G. VCF-style: chr2-46360935-C-G. GRCh37 (hg19) VCF-style: chr2-46588074-C-G.
Other names: short protein forms H208Q.
Identifiers: ClinVar variation 1752422 (VCV001752422.2), dbSNP rs1316944867, ClinGen allele CA346699912.

ClinVar aggregate classification (germline): Uncertain significance (1 of 4 stars; one submission).

Conditions:
Inborn genetic diseases. Identifiers: MedGen C0950123, MeSH D030342.

gnomAD v4.1: 1 of 1,614,226 alleles (0.000062%); highest among the groups gnomAD compares: Non-Finnish European, 0.000085%; no homozygotes.

Submission:

Ambry Genetics
Classification: Uncertain significance for Inborn genetic diseases. Last evaluated: 2022-08-13. Review status: criteria provided, single submitter. Criteria: Ambry Variant Classification Scheme 2023. Collection method: clinical testing. Allele origin: germline.
Comment: The p.H208Q variant (also known as c.624C>G), located in coding exon 6 of the EPAS1 gene, results from a C to G substitution at nucleotide position 624. The histidine at codon 208 is replaced by glutamine, an amino acid with highly similar properties. This amino acid position is conserved. In addition, this alteration is predicted to be tolerated by in silico analysis. Since supporting evidence is limited at this time, the clinical significance of this alteration remains unclear.